The following is an entry in ClinVar:

ClinVar aggregate classification (germline): Conflicting classifications of pathogenicity. Review status: criteria provided, conflicting classifications (1 of 4 stars). 14 submissions from 14 submitters: Uncertain significance (2); Benign (3); Likely benign (4). 5 of the submissions do not count toward it. Last evaluated 2026-01-18.

Conditions:
LAMA4-related disorder. Also called: LAMA4-related condition.
Cardiovascular phenotype. Identifiers: MedGen CN230736.
Dilated cardiomyopathy 1JJ (CMD1JJ). Identifiers: Orphanet 154, MedGen C3808935, MONDO:0014095, OMIM 615235.
Cardiomyopathy (CMYO). Also called: Cardiomyopathies. Identifiers: Orphanet 167848, MedGen C0878544, MONDO:0004994, HP:0001638. Inheritance: Various modes of inheritance.
Arrhythmogenic right ventricular cardiomyopathy (ARVD). Also called: Arrhythmogenic cardiomyopathy; Arrhythmogenic right ventricular dysplasia; Arrhythmogenic Right Ventricular Cardiomyopathy (ARVC); Cardiomyopathy, ARVC. Identifiers: Orphanet 247, MedGen C0349788, MeSH D019571, MONDO:0016587. Disease mechanism: loss of function. Inheritance: Various modes of inheritance.

Allele frequency attached by ClinVar (database versions not stated): ExAC 0.00103; gnomAD 0.00074 and 0.00079; gnomAD exomes 0.00090 and 0.00096; ESP Exome Variant Server 0.00062; TOPMed 0.00057.
gnomAD v4.1: 1,432 of 1,614,170 alleles (0.089%); highest among the groups gnomAD compares: Middle Eastern, 0.23%; 8 homozygotes.

Submissions (15):

Labcorp Genetics (formerly Invitae), Labcorp
Classification: Likely benign for Dilated cardiomyopathy 1JJ. Last evaluated: 2026-01-18. Review status: criteria provided, single submitter. Criteria: Invitae Variant Classification Sherloc (09022015). Collection method: clinical testing. Allele origin: germline.

Women's Health and Genetics/Laboratory Corporation of America, LabCorp
Classification: Benign. Last evaluated: 2025-11-12. Review status: criteria provided, single submitter. Criteria: LabCorp Variant Classification Summary - May 2015. Collection method: clinical testing. Allele origin: germline.
Comment: Variant summary: LAMA4 c.1959T>C (p.Asp653Asp) alters a conserved nucleotide located close to a canonical splice site and therefore could affect mRNA splicing, leading to a significantly altered protein sequence. Consensus agreement among computation tools predict no significant impact on normal splicing. However, these predictions have yet to be confirmed by functional studies. The variant allele was found at a frequency of 0.00096 in 251212 control chromosomes, predominantly at a frequency of 0.0017 within the South Asian subpopulation in the gnomAD database. The observed variant frequency within South Asian control individuals in the gnomAD database exceeds the estimated maximal expected allele frequency for disease-causing variants in LAMA4. c.1959T>C has been observed in an individual affected with Arrhythmogenic Right Ventricular Cardiomyopathy without clear evidence for causality (Kuhnisch_2019). These report(s) do not provide unequivocal conclusions about association of the variant with Cardiomyopathy. To our knowledge, no experimental evidence demonstrating an impact on protein function has been reported. The following publication have been ascertained in the context of this evaluation (PMID: 31568572). ClinVar contains an entry for this variant (Variation ID: 177973). Based on the evidence outlined above, the variant was classified as benign.

CeGaT Center for Human Genetics Tuebingen
Classification: Likely benign. Last evaluated: 2025-05-01. Review status: criteria provided, single submitter. Criteria: CeGaT Center For Human Genetics Tuebingen Variant Classification Criteria Version 2. Collection method: clinical testing. Allele origin: germline. Affected: yes. Observed: 1 variant allele.
Comment: LAMA4: BP4, BP7

ARUP Laboratories, Molecular Genetics and Genomics, ARUP Laboratories
Classification: Likely benign for Dilated cardiomyopathy 1JJ. Last evaluated: 2019-12-20. Review status: criteria provided, single submitter. Criteria: ARUP Molecular Germline Variant Investigation Process. Collection method: clinical testing. Allele origin: germline.

Klaassen Lab, Charite University Medicine Berlin
Classification: Uncertain significance for Arrhythmogenic right ventricular cardiomyopathy. Last evaluated: 2019-07-03. Review status: criteria provided, single submitter. Criteria: ACMG Guidelines, 2015. Collection method: research. Allele origin: germline. Affected: yes.

CHEO Genetics Diagnostic Laboratory, Children's Hospital of Eastern Ontario
Classification: Benign for Cardiomyopathy. Last evaluated: 2018-09-10. Review status: criteria provided, single submitter. Criteria: ACMG Guidelines, 2015. Collection method: clinical testing. Allele origin: germline.

Ambry Genetics
Classification: Likely benign for Cardiovascular phenotype. Last evaluated: 2017-12-11. Review status: criteria provided, single submitter. Criteria: Ambry Variant Classification Scheme 2023. Collection method: clinical testing. Allele origin: germline.

Laboratory for Molecular Medicine, Mass General Brigham Personalized Medicine
Classification: Uncertain significance. Last evaluated: 2015-09-28. Review status: criteria provided, single submitter. Criteria: LMM Criteria. Collection method: clinical testing. Allele origin: germline. Observed: 2 variant alleles.
Comment: Variant classified as Uncertain Significance - Favor Benign. This variant is located in the last three bases of the exon, which is part of the 5? splice region. Computa tional tools do not suggest an impact to splicing. However, this information is not predictive enough to rule out pathogenicity. In summary, while the clinical significance of the p.Asp646Asp variant is uncertain, these data suggest that it is more likely to be benign.

GeneDx
Classification: Benign. Last evaluated: 2015-07-02. Review status: criteria provided, single submitter. Criteria: GeneDx Variant Classification (06012015). Collection method: clinical testing. Allele origin: germline. Affected: yes.
Comment: This variant is considered likely benign or benign based on one or more of the following criteria: it is a conservative change, it occurs at a poorly conserved position in the protein, it is predicted to be benign by multiple in silico algorithms, and/or has population frequency not consistent with disease.

PreventionGenetics, part of Exact Sciences
Classification: Likely benign for LAMA4-related condition. Last evaluated: 2019-07-23. Review status: no assertion criteria provided. Collection method: clinical testing. Allele origin: germline. Not counted in ClinVar's aggregate classification.
Comment: This variant is classified as likely benign based on ACMG/AMP sequence variant interpretation guidelines (Richards et al. 2015 PMID: 25741868, with internal and published modifications).

Clinical Genetics DNA and cytogenetics Diagnostics Lab, Erasmus MC, Erasmus Medical Center
Classification: Likely benign. Review status: no assertion criteria provided. Collection method: clinical testing. Allele origin: germline. Affected: yes. Study: VKGL Data-share Consensus. Not counted in ClinVar's aggregate classification.

Clinical Genetics, Academic Medical Center
Classification: Benign. Review status: no assertion criteria provided. Collection method: clinical testing. Allele origin: germline. Affected: yes. Study: VKGL Data-share Consensus. Not counted in ClinVar's aggregate classification.

Dr. Peter K. Rogan Lab, Western University
No classification provided (evidence only). Condition: Familial pancreatic carcinoma. Review status: no classification provided. Collection method: in vitro. Allele origin: not applicable. Functional consequence: retained intron. Not counted in ClinVar's aggregate classification.

Genome Diagnostics Laboratory, University Medical Center Utrecht
Classification: Likely benign. Review status: no assertion criteria provided. Collection method: clinical testing. Allele origin: germline. Affected: yes. Study: VKGL Data-share Consensus. Not counted in ClinVar's aggregate classification.

Joint Genome Diagnostic Labs from Nijmegen and Maastricht, Radboudumc and MUMC+
Classification: Benign. Review status: no assertion criteria provided. Collection method: clinical testing. Allele origin: germline. Affected: yes. Study: VKGL Data-share Consensus. Not counted in ClinVar's aggregate classification.

Literature cited by the submitters: PubMed 31568572 (cited by Women's Health and Genetics/Laboratory Corporation of America, LabCorp and Klaassen Lab, Charite University Medicine Berlin); PubMed 31333075 (cited by Klaassen Lab, Charite University Medicine Berlin).

NM_001105206.3(LAMA4):c.1959T>C (p.Asp653=)

Gene: LAMA4 (laminin subunit alpha 4; minus strand). Cytogenetic location: 6q21.
Variant type: single nucleotide variant.
Coding change: c.1959T>C on transcript NM_001105206.3 (MANE Select); coding-DNA position 1959, T replaced by C.
Protein change: p.Asp653=; no amino-acid change (aspartic acid 653 retained).
Molecular consequence: synonymous variant.
Genome position (GRCh38, 1-based): chr6:112,155,565, A>G on the plus strand (T>C on the coding strand, the complement: LAMA4 is on the minus strand). VCF-style: chr6-112155565-A-G. GRCh37 (hg19) VCF-style: chr6-112476767-A-G.
Other names: c.1938T>C, p.Asp646= (NM_001105207.3, NM_002290.5).
Identifiers: ClinVar variation 177973 (VCV000177973.47), dbSNP rs143269044, ClinGen allele CA211126.